The following is an entry in ClinVar:

NM_198253.3(TERT):c.2370C>T (p.Val790=)

Gene: TERT (telomerase reverse transcriptase; minus strand). Cytogenetic location: 5p15.33.
Variant type: single nucleotide variant.
Coding change: c.2370C>T on transcript NM_198253.3 (MANE Select); coding-DNA position 2370, C replaced by T.
Protein change: p.Val790=; no amino-acid change (valine 790 retained).
Molecular consequence: synonymous variant.
Genome position (GRCh38, 1-based): chr5:1,272,197, G>A on the plus strand (C>T on the coding strand, the complement: TERT is on the minus strand). VCF-style: chr5-1272197-G-A. GRCh37 (hg19) VCF-style: chr5-1272312-G-A.
Other names: c.2370C>T, p.Val790= (NM_001193376.3).
Identifiers: ClinVar variation 695842 (VCV000695842.20), dbSNP rs376251639, ClinGen allele CA3184554.

ClinVar aggregate classification (germline): Likely benign. Review status: criteria provided, multiple submitters, no conflicts (2 of 4 stars). 5 submissions from 5 submitters: Likely benign (4). 1 of the submissions does not count toward it. Last evaluated 2026-01-25.

Conditions:
Idiopathic Pulmonary Fibrosis. Also called: Idiopathic fibrosing alveolitis, chronic form; idiopathic fibrosing alveolitis. Identifiers: Orphanet 2032, MedGen C1800706, MeSH D054990, MONDO:0800504.
Dyskeratosis congenita, autosomal dominant 2. Identifiers: MedGen C3151443, MONDO:0013521, OMIM 613989.
TERT-related disorder. Also called: TERT-related disorders; TERT-related condition.
Dyskeratosis congenita. Identifiers: Orphanet 1775, MedGen C0265965, MONDO:0015780.

Allele frequency attached by ClinVar (database versions not stated): TOPMed 0.00012; gnomAD 0.00013; 1000 Genomes Project 30x 0.00016; 1000 Genomes Project 0.00020; ESP Exome Variant Server 0.00024.
gnomAD v4.1: 50 of 1,611,964 alleles (0.0031%); highest among the groups gnomAD compares: African/African-American, 0.049%; 1 homozygote.

Submissions (5):

Labcorp Genetics (formerly Invitae), Labcorp
Classification: Likely benign for Dyskeratosis congenita, autosomal dominant 2; Idiopathic Pulmonary Fibrosis. Last evaluated: 2026-01-25. Review status: criteria provided, single submitter. Criteria: Invitae Variant Classification Sherloc (09022015). Collection method: clinical testing. Allele origin: germline.

Blueprint Genetics
Classification: Likely benign. Last evaluated: 2024-11-26. Review status: criteria provided, single submitter. Criteria: ACMG Guidelines, 2015. Collection method: clinical testing. Allele origin: germline.

Ambry Genetics
Classification: Likely benign for Dyskeratosis congenita. Last evaluated: 2022-03-12. Review status: criteria provided, single submitter. Criteria: Ambry Variant Classification Scheme 2023. Collection method: clinical testing. Allele origin: germline.

Genetic Services Laboratory, University of Chicago
Classification: Likely benign. Last evaluated: 2019-10-11. Review status: criteria provided, single submitter. Criteria: ACMG Guidelines, 2015. Collection method: clinical testing. Allele origin: germline. Affected: no.

PreventionGenetics, part of Exact Sciences
Classification: Likely benign for TERT-related condition. Last evaluated: 2022-11-23. Review status: no assertion criteria provided. Collection method: clinical testing. Allele origin: germline. Not counted in ClinVar's aggregate classification.
Comment: This variant is classified as likely benign based on ACMG/AMP sequence variant interpretation guidelines (Richards et al. 2015 PMID: 25741868, with internal and published modifications).